The following is an entry in ClinVar:

NM_001385012.1(NBEA):c.7116C>G (p.Pro2372=)

Gene: NBEA (neurobeachin; plus strand). Cytogenetic location: 13q13.3.
Variant type: single nucleotide variant.
Coding change: c.7116C>G on transcript NM_001385012.1 (MANE Select); coding-DNA position 7116, C replaced by G.
Protein change: p.Pro2372=; no amino-acid change (proline 2372 retained).
Molecular consequence: synonymous variant.
Genome position (GRCh38, 1-based): chr13:35,583,978, C>G. VCF-style: chr13-35583978-C-G. GRCh37 (hg19) VCF-style: chr13-36158115-C-G.
Other names: c.7116C>G, p.Pro2372= (NM_015678.5); c.495C>G, p.Pro165= (NM_001204197.3); c.7107C>G, p.Pro2369= (NM_001379245.1).
Identifiers: ClinVar variation 2643763 (VCV002643763.25), dbSNP rs779628175, ClinGen allele CA6947686.

ClinVar aggregate classification (germline): Likely benign. Review status: criteria provided, multiple submitters, no conflicts (2 of 4 stars). 2 submissions from 2 submitters: Likely benign (2). Last evaluated 2024-04-08.

Allele frequency attached by ClinVar (database versions not stated): gnomAD 0.00001; gnomAD exomes 0.00002; TOPMed 0.00003; ExAC 0.00001.
gnomAD v4.1: 29 of 1,613,206 alleles (0.0018%); highest among the groups gnomAD compares: Non-Finnish European, 0.0023%; no homozygotes.

Submissions (2):

Blueprint Genetics
Classification: Likely benign. Last evaluated: 2024-04-08. Review status: criteria provided, single submitter. Criteria: ACMG Guidelines, 2015. Collection method: clinical testing. Allele origin: germline.

CeGaT Center for Human Genetics Tuebingen
Classification: Likely benign. Last evaluated: 2022-10-01. Review status: criteria provided, single submitter. Criteria: CeGaT Center For Human Genetics Tuebingen Variant Classification Criteria Version 2. Collection method: clinical testing. Allele origin: germline. Affected: yes. Observed: 1 variant allele.
Comment: NBEA: BP4, BP7